The following is an entry in ClinVar:

NM_001291415.2(KDM6A):c.2890A>G (p.Ser964Gly)

Gene: KDM6A (lysine demethylase 6A; plus strand). Cytogenetic location: Xp11.3.
Variant type: single nucleotide variant.
Coding change: c.2890A>G on transcript NM_001291415.2 (MANE Select); coding-DNA position 2890, A replaced by G.
Protein change: p.Ser964Gly; replaces serine 964 with glycine.
Molecular consequence: missense variant. On other transcripts: non-coding transcript variant (1).
Genome position (GRCh38, 1-based): chrX:45,076,728, A>G. VCF-style: chrX-45076728-A-G. GRCh37 (hg19) VCF-style: chrX-44935973-A-G.
Other names: c.2788A>G, p.Ser930Gly (NM_001419810.1, NM_001419813.1); c.2755A>G, p.Ser919Gly (NM_001419811.1, NM_001291416.2); c.2734A>G, p.Ser912Gly (NM_001419812.1, NM_021140.4); c.2632A>G, p.Ser878Gly (NM_001419814.1, NM_001410742.1); c.2497A>G, p.Ser833Gly (NM_001419815.1, NM_001291418.2); c.2599A>G, p.Ser867Gly (NM_001291417.2); c.1846A>G, p.Ser616Gly (NM_001291421.2); c.2890A>G, p.Ser964Gly (NM_001419809.1); short protein forms S867G, S930G, S616G, S878G, S912G, S833G, S919G, S964G.
Identifiers: ClinVar variation 2845859 (VCV002845859.3), dbSNP rs768947967, ClinGen allele CA10392567.

ClinVar aggregate classification (germline): Uncertain significance (1 of 4 stars; one submission).

Conditions:
Kabuki syndrome 2 (KABUK2). Also called: KDM6A-Related Kabuki Syndrome. Identifiers: Orphanet 2322, MedGen C3275495, MONDO:0010465, OMIM 300867.

Allele frequency attached by ClinVar (database versions not stated): ExAC 0.00001.

Submission:

Labcorp Genetics (formerly Invitae), Labcorp
Classification: Uncertain significance for Kabuki syndrome 2. Last evaluated: 2023-03-14. Review status: criteria provided, single submitter. Criteria: Invitae Variant Classification Sherloc (09022015). Collection method: clinical testing. Allele origin: germline.
Comment: Advanced modeling of protein sequence and biophysical properties (such as structural, functional, and spatial information, amino acid conservation, physicochemical variation, residue mobility, and thermodynamic stability) performed at Invitae indicates that this missense variant is not expected to disrupt KDM6A protein function. This variant has not been reported in the literature in individuals affected with KDM6A-related conditions. This variant is present in population databases (rs768947967, gnomAD 0.005%), including at least one homozygous and/or hemizygous individual. This sequence change replaces serine, which is neutral and polar, with glycine, which is neutral and non-polar, at codon 912 of the KDM6A protein (p.Ser912Gly). In summary, the available evidence is currently insufficient to determine the role of this variant in disease. Therefore, it has been classified as a Variant of Uncertain Significance.